The following is an entry in ClinVar:

NM_032776.3(JMJD1C):c.2831C>A (p.Pro944Gln)

Gene: JMJD1C (jumonji domain containing 1C; minus strand). Cytogenetic location: 10q21.3.
Variant type: single nucleotide variant.
Coding change: c.2831C>A on transcript NM_032776.3 (MANE Select); coding-DNA position 2831, C replaced by A.
Protein change: p.Pro944Gln; replaces proline 944 with glutamine.
Molecular consequence: missense variant. On other transcripts: non-coding transcript variant (1).
Genome position (GRCh38, 1-based): chr10:63,209,099, G>T on the plus strand (C>A on the coding strand, the complement: JMJD1C is on the minus strand). VCF-style: chr10-63209099-G-T. GRCh37 (hg19) VCF-style: chr10-64968859-G-T.
Other names: c.1967C>A, p.Pro656Gln (NM_001318153.2); c.2285C>A, p.Pro762Gln (NM_001318154.2, NM_001282948.2); c.2717C>A, p.Pro906Gln (NM_001322252.2); c.2174C>A, p.Pro725Gln (NM_001322254.2, NM_001322258.2); short protein forms P656Q, P725Q, P762Q, P906Q, P944Q.
Identifiers: ClinVar variation 1062098 (VCV001062098.9), dbSNP rs1279342375, ClinGen allele CA377043518.
Genomic context (GRCh38, chr10:63,209,099, plus strand): 5'-ATTTTTAAGCACTGGTGAACTTACTCCTTATGATGATCTACTAAAGTTTTTGTCAATGGT[G>T]GACTGGAATGGGCTGTAATTTTAAGAGGCCGATGAGGCTCTGCACTGGAAGGTCTGACAG-3'
Protein context (NP_116165.1, residues 934-954): RPLKITAHSS[Pro944Gln]PLTKTLVDHH

ClinVar aggregate classification (germline): Uncertain significance (1 of 4 stars; one submission).

Conditions:
Early Myoclonic Encephalopathy. Identifiers: MedGen C0270855.

Submission:

Labcorp Genetics (formerly Invitae), Labcorp
Classification: Uncertain significance for Early Myoclonic Encephalopathy. Last evaluated: 2023-11-27. Review status: criteria provided, single submitter. Criteria: Invitae Variant Classification Sherloc (09022015). Collection method: clinical testing. Allele origin: germline.
Comment: This sequence change replaces proline, which is neutral and non-polar, with glutamine, which is neutral and polar, at codon 944 of the JMJD1C protein (p.Pro944Gln). This variant is not present in population databases (gnomAD no frequency). This variant has not been reported in the literature in individuals affected with JMJD1C-related conditions. ClinVar contains an entry for this variant (Variation ID: 1062098). Advanced modeling of protein sequence and biophysical properties (such as structural, functional, and spatial information, amino acid conservation, physicochemical variation, residue mobility, and thermodynamic stability) performed at Invitae indicates that this missense variant is expected to disrupt JMJD1C protein function with a positive predictive value of 80%. In summary, the available evidence is currently insufficient to determine the role of this variant in disease. Therefore, it has been classified as a Variant of Uncertain Significance.